The following is an entry in ClinVar:

NM_000264.5(PTCH1):c.3291C>T (p.Thr1097=)

Gene: PTCH1 (patched 1; minus strand). Cytogenetic location: 9q22.32.
Variant type: single nucleotide variant.
Coding change: c.3291C>T on transcript NM_000264.5 (MANE Select); coding-DNA position 3291, C replaced by T.
Protein change: p.Thr1097=; no amino-acid change (threonine 1097 retained).
Molecular consequence: synonymous variant. On other transcripts: non-coding transcript variant (1).
Genome position (GRCh38, 1-based): chr9:95,456,291, G>A on the plus strand (C>T on the coding strand, the complement: PTCH1 is on the minus strand). VCF-style: chr9-95456291-G-A. GRCh37 (hg19) VCF-style: chr9-98218573-G-A.
Other names: c.3093C>T, p.Thr1031= (NM_001083602.3); c.3288C>T, p.Thr1096= (NM_001083603.3); c.2838C>T, p.Thr946= (NM_001083604.3, NM_001083605.3, NM_001083606.3 and 1 more transcripts); c.3135C>T, p.Thr1045= (NM_001354918.2).
Identifiers: ClinVar variation 384488 (VCV000384488.42), dbSNP rs141016655, ClinGen allele CA5138192.

ClinVar aggregate classification (germline): Likely benign. Review status: criteria provided, multiple submitters, no conflicts (2 of 4 stars). 6 submissions from 6 submitters: Likely benign (5). 1 of the submissions does not count toward it. Last evaluated 2025-12-31.

Conditions:
Hereditary cancer-predisposing syndrome. Also called: Neoplastic Syndromes, Hereditary; Hereditary neoplastic syndrome; Tumor predisposition; Hereditary Cancer Syndrome. Identifiers: Orphanet 140162, MedGen C0027672, MeSH D009386, MONDO:0015356.
Gorlin syndrome. Also called: Nevoid Basal Cell Carcinoma Syndrome; Basal cell nevus syndrome. Identifiers: Orphanet 377, MedGen C0004779, MONDO:0007187.
PTCH1-related disorder. Also called: PTCH1-related disorders; PTCH1-related condition.

Allele frequency attached by ClinVar (database versions not stated): gnomAD 0.00003; ExAC 0.00004; TOPMed 0.00005; gnomAD exomes 0.00007 and 0.00018; ESP Exome Variant Server 0.00008.
gnomAD v4.1: 253 of 1,613,758 alleles (0.016%); highest among the groups gnomAD compares: Non-Finnish European, 0.02%; no homozygotes.

Submissions (6):

Labcorp Genetics (formerly Invitae), Labcorp
Classification: Likely benign for Gorlin syndrome. Last evaluated: 2025-12-31. Review status: criteria provided, single submitter. Criteria: Invitae Variant Classification Sherloc (09022015). Collection method: clinical testing. Allele origin: germline.

CeGaT Center for Human Genetics Tuebingen
Classification: Likely benign. Last evaluated: 2024-07-01. Review status: criteria provided, single submitter. Criteria: CeGaT Center For Human Genetics Tuebingen Variant Classification Criteria Version 2. Collection method: clinical testing. Allele origin: germline. Affected: yes. Observed: 2 variant alleles.
Comment: PTCH1: BP4, BP7

Blueprint Genetics
Classification: Likely benign. Last evaluated: 2023-11-13. Review status: criteria provided, single submitter. Criteria: ACMG Guidelines, 2015. Collection method: clinical testing. Allele origin: germline.

Ambry Genetics
Classification: Likely benign for Hereditary cancer-predisposing syndrome. Last evaluated: 2017-11-21. Review status: criteria provided, single submitter. Criteria: Ambry Variant Classification Scheme 2023. Collection method: clinical testing. Allele origin: germline.

GeneDx
Classification: Likely benign. Last evaluated: 2016-03-15. Review status: criteria provided, single submitter. Criteria: GeneDx Variant Classification (06012015). Collection method: clinical testing. Allele origin: germline. Affected: yes.
Comment: This variant is considered likely benign or benign based on one or more of the following criteria: it is a conservative change, it occurs at a poorly conserved position in the protein, it is predicted to be benign by multiple in silico algorithms, and/or has population frequency not consistent with disease.

PreventionGenetics, part of Exact Sciences
Classification: Likely benign for PTCH1-related condition. Last evaluated: 2021-02-11. Review status: no assertion criteria provided. Collection method: clinical testing. Allele origin: germline. Not counted in ClinVar's aggregate classification.
Comment: This variant is classified as likely benign based on ACMG/AMP sequence variant interpretation guidelines (Richards et al. 2015 PMID: 25741868, with internal and published modifications).